The following is an entry in ClinVar:

NM_152269.5(MTRFR):c.309G>A (p.Gln103=)

Gene: MTRFR (mitochondrial translation release factor in rescue; plus strand). Cytogenetic location: 12q24.31.
Variant type: single nucleotide variant.
Coding change: c.309G>A on transcript NM_152269.5 (MANE Select); coding-DNA position 309, G replaced by A.
Protein change: p.Gln103=; no amino-acid change (glutamine 103 retained).
Molecular consequence: synonymous variant.
Genome position (GRCh38, 1-based): chr12:123,256,839, G>A. VCF-style: chr12-123256839-G-A. GRCh37 (hg19) VCF-style: chr12-123741386-G-A.
Other names: c.309G>A, p.Gln103= (NM_001143905.2, NM_001194995.1).
Identifiers: ClinVar variation 698233 (VCV000698233.38), dbSNP rs573747271, ClinGen allele CA6856581.

ClinVar aggregate classification (germline): Benign/Likely benign. Review status: criteria provided, multiple submitters, no conflicts (2 of 4 stars). 4 submissions from 4 submitters: Benign (3); Likely benign (1). Last evaluated 2026-07-14.

Conditions:
MTRFR-related disorder. Also called: MTRFR-related condition.
Spastic paraplegia. Identifiers: MedGen C0037772, HP:0001258.
Combined oxidative phosphorylation defect type 7. Identifiers: Orphanet 254930, MedGen C3150801, MONDO:0013306, OMIM 613559.
Hereditary spastic paraplegia. Also called: Familial spastic paraparesis. Identifiers: Orphanet 685, MedGen C0037773, MONDO:0019064. Disease mechanism: loss of function.

Allele frequency attached by ClinVar (database versions not stated): gnomAD 0.00003; TOPMed 0.00007; gnomAD exomes 0.00072 and 0.00163; ExAC 0.00188; 1000 Genomes Project 30x 0.00312; 1000 Genomes Project 0.00339.
gnomAD v4.1: 1,122 of 1,613,432 alleles (0.07%); highest among the groups gnomAD compares: South Asian, 1.2%; 15 homozygotes.

Submissions (4):

PreventionGenetics, part of Exact Sciences
Classification: Benign for MTRFR-related condition. Last evaluated: 2026-07-14. Review status: criteria provided, single submitter. Criteria: ACMG Guidelines, 2015. Collection method: clinical testing. Allele origin: germline.
Comment: This variant is classified as benign based on ACMG/AMP sequence variant interpretation guidelines (Richards et al. 2015 PMID: 25741868, with internal and published modifications).

CeGaT Center for Human Genetics Tuebingen
Classification: Benign. Last evaluated: 2026-02-01. Review status: criteria provided, single submitter. Criteria: CeGaT Center For Human Genetics Tuebingen Variant Classification Criteria Version 2. Collection method: clinical testing. Allele origin: germline. Affected: yes. Observed: 2 variant alleles.
Comment: MTRFR: BP4, BP7, BS1, BS2

Labcorp Genetics (formerly Invitae), Labcorp
Classification: Benign for Combined oxidative phosphorylation defect type 7; Spastic paraplegia. Last evaluated: 2025-11-25. Review status: criteria provided, single submitter. Criteria: Invitae Variant Classification Sherloc (09022015). Collection method: clinical testing. Allele origin: germline.

Genome Diagnostics Laboratory, The Hospital for Sick Children
Classification: Likely benign for Hereditary spastic paraplegia. Last evaluated: 2021-10-01. Review status: criteria provided, single submitter. Criteria: ACMG Guidelines, 2015. Collection method: clinical testing. Allele origin: germline. Affected: yes.